The following is an entry in ClinVar:

ClinVar aggregate classification (germline): Benign/Likely benign. Review status: criteria provided, multiple submitters, no conflicts (2 of 4 stars). 4 submissions from 4 submitters: Benign (3); Likely benign (1). Last evaluated 2024-11-07.

Allele frequency attached by ClinVar (database versions not stated): gnomAD 0.00016 and 0.00028; gnomAD exomes 0.00042 and 0.00082; TOPMed 0.00042; ExAC 0.00081; 1000 Genomes Project 30x 0.00203; 1000 Genomes Project 0.00220.
gnomAD v4.1: 650 of 1,607,556 alleles (0.04%); highest among the groups gnomAD compares: South Asian, 0.61%; 11 homozygotes.

Submissions (4):

Blueprint Genetics
Classification: Likely benign. Last evaluated: 2024-11-07. Review status: criteria provided, single submitter. Criteria: ACMG Guidelines, 2015. Collection method: clinical testing. Allele origin: germline.

Labcorp Genetics (formerly Invitae), Labcorp
Classification: Benign. Last evaluated: 2023-03-02. Review status: criteria provided, single submitter. Criteria: Invitae Variant Classification Sherloc (09022015). Collection method: clinical testing. Allele origin: germline.

GeneDx
Classification: Benign. Last evaluated: 2014-06-03. Review status: criteria provided, single submitter. Criteria: GeneDx Variant Classification (06012015). Collection method: clinical testing. Allele origin: germline. Affected: yes.
Comment: This variant is considered likely benign or benign based on one or more of the following criteria: it is a conservative change, it occurs at a poorly conserved position in the protein, it is predicted to be benign by multiple in silico algorithms, and/or has population frequency not consistent with disease.

Breakthrough Genomics
Classification: Benign. Review status: criteria provided, single submitter. Criteria: ACMG Guidelines, 2015. Collection method: not provided. Allele origin: germline. Inheritance: Autosomal recessive inheritance. Affected: yes.

NM_004544.4(NDUFA10):c.749+3G>A

Gene: NDUFA10 (NADH:ubiquinone oxidoreductase subunit A10; minus strand). Cytogenetic location: 2q37.3.
Variant type: single nucleotide variant.
Coding change: c.749+3G>A on transcript NM_004544.4 (MANE Select); 3 bases into the intron after coding-DNA position 749, G replaced by A.
Molecular consequence: intron variant.
Genome position (GRCh38, 1-based): chr2:240,011,614, C>T on the plus strand (G>A on the coding strand, the complement: NDUFA10 is on the minus strand). VCF-style: chr2-240011614-C-T. GRCh37 (hg19) VCF-style: chr2-240951031-C-T.
Other names: c.749+3G>A (NM_001322020.2, NM_001322019.2).
Identifiers: ClinVar variation 138438 (VCV000138438.8), dbSNP rs189252017, ClinGen allele CA292423.